The following is an entry in ClinVar:

NM_000179.3(MSH6):c.945dup (p.Arg316Ter)

Gene: MSH6 (mutS homolog 6; plus strand). Cytogenetic location: 2p16.3.
Variant type: Duplication.
Coding change: c.945dup on transcript NM_000179.3 (MANE Select); coding-DNA position 945, one base duplicated (T; older notation c.945dupT).
Protein change: p.Arg316Ter; replaces arginine 316 with a stop codon.
Molecular consequence: nonsense.
Genome position (GRCh38, 1-based): chr2:47,798,928, T duplicated. VCF-style (leftmost placement, unchanged base first): chr2-47798927-C-CT. GRCh37 (hg19) VCF-style: chr2-48026066-C-CT.
Other names: c.555dup, p.Arg186Ter (NM_001281492.2); c.39dup, p.Arg14Ter (NM_001281493.2, NM_001281494.2); short protein forms R14*, R186*, R316*.
Identifiers: ClinVar variation 1071468 (VCV001071468.7), dbSNP rs2104308103, ClinGen allele CA2499216099.

ClinVar aggregate classification (germline): Pathogenic (1 of 4 stars; one submission).

Conditions:
Hereditary nonpolyposis colorectal neoplasms. Identifiers: MedGen C0009405, MeSH D003123.

Submission:

Labcorp Genetics (formerly Invitae), Labcorp
Classification: Pathogenic for Hereditary nonpolyposis colorectal neoplasms. Last evaluated: 2022-02-25. Review status: criteria provided, single submitter. Criteria: Invitae Variant Classification Sherloc (09022015). Collection method: clinical testing. Allele origin: germline.
Comment: This sequence change creates a premature translational stop signal (p.Arg316*) in the MSH6 gene. It is expected to result in an absent or disrupted protein product. Loss-of-function variants in MSH6 are known to be pathogenic (PMID: 18269114, 24362816). This variant is not present in population databases (gnomAD no frequency). This variant has not been reported in the literature in individuals affected with MSH6-related conditions. ClinVar contains an entry for this variant (Variation ID: 1071468). For these reasons, this variant has been classified as Pathogenic.

Literature cited by the submitters: PubMed 18269114; PubMed 24362816.